The following is an entry in ClinVar:

ClinVar aggregate classification (germline): Pathogenic (1 of 4 stars; one submission).

Conditions:
Kufor-Rakeb syndrome (KRS). Also called: PARKINSON DISEASE 9, AUTOSOMAL RECESSIVE, JUVENILE-ONSET. Identifiers: Orphanet 306674, Orphanet 314632, MedGen C1847640, MONDO:0011706, OMIM 606693.
Autosomal recessive spastic paraplegia type 78. Identifiers: Orphanet 513436, MedGen C5567893, MONDO:0014975, OMIM 617225.

Submission:

Labcorp Genetics (formerly Invitae), Labcorp
Classification: Pathogenic for Kufor-Rakeb syndrome; Autosomal recessive spastic paraplegia type 78. Last evaluated: 2022-07-25. Review status: criteria provided, single submitter. Criteria: Invitae Variant Classification Sherloc (09022015). Collection method: clinical testing. Allele origin: germline.
Comment: ClinVar contains an entry for this variant (Variation ID: 859962). For these reasons, this variant has been classified as Pathogenic. This variant has not been reported in the literature in individuals affected with ATP13A2-related conditions. This variant is not present in population databases (gnomAD no frequency). This sequence change creates a premature translational stop signal (p.Val137Tyrfs*19) in the ATP13A2 gene. It is expected to result in an absent or disrupted protein product. Loss-of-function variants in ATP13A2 are known to be pathogenic (PMID: 16964263, 21696388).

Literature cited by the submitters: PubMed 16964263; PubMed 21696388.

NM_022089.4(ATP13A2):c.409del (p.Val137fs)

Gene: ATP13A2 (ATPase cation transporting 13A2; minus strand). Cytogenetic location: 1p36.13.
Variant type: Deletion.
Coding change: c.409del on transcript NM_022089.4 (MANE Select); coding-DNA position 409, one base deleted (G; older notation c.409delG).
Protein change: p.Val137fs; shifts the reading frame from valine 137.
Molecular consequence: frameshift variant.
Genome position (GRCh38, 1-based): chr1:17,004,760, C deleted on the plus strand (G on the coding strand, the reverse complement: ATP13A2 is on the minus strand); the first of 2 consecutive C bases (chr1:17,004,760-17,004,761); deleting either gives the same sequence. VCF-style (leftmost placement, unchanged base first): chr1-17004759-AC-A. GRCh37 (hg19) VCF-style: chr1-17331254-AC-A.
Other names: c.409del, p.Val137fs (NM_001141973.3, NM_001141974.3); short protein forms V137fs.
Identifiers: ClinVar variation 859962 (VCV000859962.7), dbSNP rs2077487643, ClinGen allele CA916082003.
Genomic context (GRCh38, chr1:17,004,759, plus strand): 5'-ACACTCACCGCCTCCTCGCTCTTGTGGAGCTGGGCCGTATCCTTCCAGGCACCCTCTGGT[AC>A]CGCCCCAACTGCCGCCTGGCTCCGGCCATCCTCTGCCTGGGACTGTGGGGACGGCTCCAG-3'